The following is an entry in ClinVar:

NM_000760.4(CSF3R):c.1292C>T (p.Ala431Val)

Gene: CSF3R (colony stimulating factor 3 receptor; minus strand). Cytogenetic location: 1p34.3.
Variant type: single nucleotide variant.
Coding change: c.1292C>T on transcript NM_000760.4 (MANE Select); coding-DNA position 1292, C replaced by T.
Protein change: p.Ala431Val; replaces alanine 431 with valine.
Molecular consequence: missense variant.
Genome position (GRCh38, 1-based): chr1:36,469,834, G>A on the plus strand (C>T on the coding strand, the complement: CSF3R is on the minus strand). VCF-style: chr1-36469834-G-A. GRCh37 (hg19) VCF-style: chr1-36935435-G-A.
Other names: c.1292C>T, p.Ala431Val (NM_156039.3, NM_172313.3); short protein forms A431V.
Identifiers: ClinVar variation 1715560 (VCV001715560.5), dbSNP rs928030213, ClinGen allele CA20744528.

ClinVar aggregate classification (germline): Uncertain significance (1 of 4 stars; one submission).

Conditions:
Autosomal recessive severe congenital neutropenia due to CSF3R deficiency. Also called: Neutropenia, severe congenital, 7, autosomal recessive. Identifiers: Orphanet 420702, MedGen C4310764, MONDO:0014865, OMIM 617014.

Allele frequency attached by ClinVar (database versions not stated): gnomAD exomes below 0.00001.

Submission:

Labcorp Genetics (formerly Invitae), Labcorp
Classification: Uncertain significance for Autosomal recessive severe congenital neutropenia due to CSF3R deficiency. Last evaluated: 2022-11-02. Review status: criteria provided, single submitter. Criteria: Invitae Variant Classification Sherloc (09022015). Collection method: clinical testing. Allele origin: germline.
Comment: This variant is not present in population databases (gnomAD no frequency). This variant has not been reported in the literature in individuals affected with CSF3R-related conditions. Advanced modeling of protein sequence and biophysical properties (such as structural, functional, and spatial information, amino acid conservation, physicochemical variation, residue mobility, and thermodynamic stability) performed at Invitae indicates that this missense variant is not expected to disrupt CSF3R protein function. In summary, the available evidence is currently insufficient to determine the role of this variant in disease. Therefore, it has been classified as a Variant of Uncertain Significance. This sequence change replaces alanine, which is neutral and non-polar, with valine, which is neutral and non-polar, at codon 431 of the CSF3R protein (p.Ala431Val).